The following is an entry in ClinVar:

ClinVar aggregate classification (germline): Likely benign. Review status: criteria provided, multiple submitters, no conflicts (2 of 4 stars). 3 submissions from 3 submitters: Likely benign (2). 1 of the submissions does not count toward it. Last evaluated 2023-04-07.

Conditions:
AFF2-related disorder. Also called: AFF2-related condition.
Inborn genetic diseases. Identifiers: MedGen C0950123, MeSH D030342.

Allele frequency attached by ClinVar (database versions not stated): 1000 Genomes Project 30x 0.00021; ExAC 0.00025; 1000 Genomes Project 0.00026; gnomAD 0.00030; ESP Exome Variant Server 0.00038; TOPMed 0.00047; gnomAD exomes 0.00055.
gnomAD v4.1: 626 of 1,205,049 alleles (0.052%); highest among the groups gnomAD compares: Non-Finnish European, 0.066%; 1 homozygote.

Submissions (3):

Ambry Genetics
Classification: Likely benign for Inborn genetic diseases. Last evaluated: 2023-04-07. Review status: criteria provided, single submitter. Criteria: Ambry Variant Classification Scheme 2023. Collection method: clinical testing. Allele origin: germline.

CeGaT Center for Human Genetics Tuebingen
Classification: Likely benign. Last evaluated: 2022-12-01. Review status: criteria provided, single submitter. Criteria: CeGaT Center For Human Genetics Tuebingen Variant Classification Criteria Version 2. Collection method: clinical testing. Allele origin: germline. Affected: yes. Observed: 1 variant allele.
Comment: AFF2: BP4, BS2

PreventionGenetics, part of Exact Sciences
Classification: Likely benign for AFF2-related condition. Last evaluated: 2021-03-08. Review status: no assertion criteria provided. Collection method: clinical testing. Allele origin: germline. Not counted in ClinVar's aggregate classification.
Comment: This variant is classified as likely benign based on ACMG/AMP sequence variant interpretation guidelines (Richards et al. 2015 PMID: 25741868, with internal and published modifications).

NM_002025.4(AFF2):c.1330A>G (p.Thr444Ala)

Gene: AFF2 (ALF transcription elongation factor 2; plus strand). Cytogenetic location: Xq28.
Variant type: single nucleotide variant.
Coding change: c.1330A>G on transcript NM_002025.4 (MANE Select); coding-DNA position 1330, A replaced by G.
Protein change: p.Thr444Ala; replaces threonine 444 with alanine.
Molecular consequence: missense variant.
Genome position (GRCh38, 1-based): chrX:148,885,956, A>G. VCF-style: chrX-148885956-A-G. GRCh37 (hg19) VCF-style: chrX-147967486-A-G.
Other names: c.1231A>G, p.Thr411Ala (NM_001169122.2); c.1300A>G, p.Thr434Ala (NM_001169123.2); c.1225A>G, p.Thr409Ala (NM_001169124.2); c.1213A>G, p.Thr405Ala (NM_001169125.2); c.253A>G, p.Thr85Ala (NM_001170628.1); short protein forms T405A, T409A, T444A, T434A, T85A, T411A.
Identifiers: ClinVar variation 2537940 (VCV002537940.27), dbSNP rs143278161, ClinGen allele CA10536977.
Genomic context (GRCh38, chrX:148,885,956, plus strand): 5'-GAGGATGACCTGAAGCTGAGCAGTGATGAAGATGACCTTGAGCCTGTGAAGACCTTGACC[A>G]CTCAGTGCACTGCCACTGAGCTCTACCAGGTTAGAAGAGCTTAGGGCTTTGTTTTGGGAT-3'
Protein context (NP_002016.2, residues 434-454): DDLEPVKTLT[Thr444Ala]QCTATELYQA